The following is an entry in ClinVar:

ClinVar aggregate classification (germline): Uncertain significance (1 of 4 stars; one submission).

Conditions:
Inborn genetic diseases. Identifiers: MedGen C0950123, MeSH D030342.

Submission:

Ambry Genetics
Classification: Uncertain significance for Inborn genetic diseases. Last evaluated: 2025-11-20. Review status: criteria provided, single submitter. Criteria: Ambry Variant Classification Scheme 2023. Collection method: clinical testing. Allele origin: germline.
Comment: The p.F303C variant (also known as c.908T>G), located in coding exon 1 of the SAMD9L gene, results from a T to G substitution at nucleotide position 908. The phenylalanine at codon 303 is replaced by cysteine, an amino acid with highly dissimilar properties. This amino acid position is conserved. In addition, this alteration is predicted to be tolerated by in silico analysis. Based on the available evidence, the clinical significance of this variant remains unclear.

NM_152703.5(SAMD9L):c.908T>G (p.Phe303Cys)

Gene: SAMD9L (sterile alpha motif domain containing 9 like; minus strand). Cytogenetic location: 7q21.2.
Variant type: single nucleotide variant.
Coding change: c.908T>G on transcript NM_152703.5 (MANE Select); coding-DNA position 908, T replaced by G.
Protein change: p.Phe303Cys; replaces phenylalanine 303 with cysteine.
Molecular consequence: missense variant.
Genome position (GRCh38, 1-based): chr7:93,135,064, A>C on the plus strand (T>G on the coding strand, the complement: SAMD9L is on the minus strand). VCF-style: chr7-93135064-A-C. GRCh37 (hg19) VCF-style: chr7-92764377-A-C.
Other names: c.908T>G, p.Phe303Cys (NM_001303496.3, NM_001303497.3, NM_001303498.3 and 5 more transcripts); short protein forms F303C.
Identifiers: ClinVar variation 4630132 (VCV004630132.1).
Genomic context (GRCh38, chr7:93,135,064, plus strand): 5'-ATGTAGAAATACTTATCATTACATATAGAGTGTTTTGGAATAGTATCAACTTCAATGACA[A>C]ATCTGTCAGATGGTGTATTGTTCTGCAGAAGGACTTCCACAAACCTTGGCTCCCGAATAC-3'
Protein context (NP_689916.2, residues 293-313): LLQNNTPSDR[Phe303Cys]VIEVDTIPKH